The following is an entry in ClinVar:

NM_005027.4(PIK3R2):c.259_263del (p.Gly87fs)

Gene: PIK3R2 (phosphoinositide-3-kinase regulatory subunit 2; plus strand). Cytogenetic location: 19p13.11.
Variant type: Microsatellite.
Coding change: c.259_263del on transcript NM_005027.4 (MANE Select); coding-DNA positions 259 to 263, 5 bases deleted (GGCCC; older notation c.259_263delGGCCC).
Protein change: p.Gly87fs; shifts the reading frame from glycine 87.
Molecular consequence: frameshift variant. On other transcripts: non-coding transcript variant (2).
Genome position (GRCh38, 1-based): chr19:18,156,138-18,156,142, GGCCC deleted; deleting any 5 consecutive bases within chr19:18,156,128-18,156,142 gives the same sequence; the c. name uses the placement nearest the transcript's 3' end. VCF-style (leftmost placement, unchanged base first): chr19-18156127-TGGCCC-T. GRCh37 (hg19) VCF-style: chr19-18266937-TGGCCC-T.
Other names: c.259_263del5 (NM_005027.3); short protein forms G87fs.
Identifiers: ClinVar variation 2689753 (VCV002689753.6), dbSNP rs778790424, ClinGen allele CA9306668.

ClinVar aggregate classification (germline): Uncertain significance. Review status: criteria provided, multiple submitters, no conflicts (2 of 4 stars). 3 submissions from 3 submitters: Uncertain significance (3). Last evaluated 2025-10-24.

Conditions:
Megalencephaly-polymicrogyria-postaxial polydactyly-hydrocephalus syndrome. Also called: MPPH Syndrome; MEG-PMG-MEGACC SYNDROME. Identifiers: Orphanet 83473, MedGen C1863924, MONDO:0019375.
Megalencephaly-polymicrogyria-polydactyly-hydrocephalus syndrome 1 (MPPH1). Also called: MEGALENCEPHALY, MEGA CORPUS CALLOSUM, AND COMPLETE LACK OF MOTOR DEVELOPMENT; MEGALENCEPHALY, POLYMICROGYRIA, MEGA CORPUS CALLOSUM SYNDROME. Identifiers: Orphanet 83473, MedGen C4012727, MONDO:0011313, OMIM 603387.
PIK3R2-related disorder. Also called: PIK3R2-related condition.

Submissions (3):

PreventionGenetics, part of Exact Sciences
Classification: Uncertain significance for PIK3R2-related condition. Last evaluated: 2025-10-24. Review status: criteria provided, single submitter. Criteria: ACMG Guidelines, 2015. Collection method: clinical testing. Allele origin: germline.
Comment: The PIK3R2 c.259_263del5 variant is predicted to result in a frameshift and premature protein termination (p.Gly87Serfs*14). To our knowledge, this variant has not been reported in the literature. This variant is reported in 0.0096% of alleles in individuals of East Asian descent in gnomAD. Loss of function variants are not an established mechanism of disease for PIK3R2-related disease. At this time, the clinical significance of this variant is uncertain due to the absence of conclusive functional and genetic evidence.

Labcorp Genetics (formerly Invitae), Labcorp
Classification: Uncertain significance for Megalencephaly-polymicrogyria-postaxial polydactyly-hydrocephalus syndrome. Last evaluated: 2024-09-06. Review status: criteria provided, single submitter. Criteria: Invitae Variant Classification Sherloc (09022015). Collection method: clinical testing. Allele origin: germline.
Comment: This sequence change creates a premature translational stop signal (p.Gly87Serfs*14) in the PIK3R2 gene. It is expected to result in an absent or disrupted protein product. However, the current clinical and genetic evidence is not sufficient to establish whether loss-of-function variants in PIK3R2 cause disease. This variant is present in population databases (rs778790424, gnomAD 0.01%). This variant has not been reported in the literature in individuals affected with PIK3R2-related conditions. In summary, the available evidence is currently insufficient to determine the role of this variant in disease. Therefore, it has been classified as a Variant of Uncertain Significance.

Revvity Omics, Revvity
Classification: Uncertain significance for Megalencephaly-polymicrogyria-polydactyly-hydrocephalus syndrome 1. Last evaluated: 2023-06-22. Review status: criteria provided, single submitter. Criteria: ACMG Guidelines, 2015. Collection method: clinical testing. Allele origin: germline.